The following is an entry in ClinVar:

ClinVar aggregate classification (germline): Likely benign (0 of 4 stars; one submission).

Conditions:
CLN6-related disorder. Also called: CLN6-related condition.

Allele frequency attached by ClinVar (database versions not stated): gnomAD exomes 0.00010; 1000 Genomes Project 30x 0.00062; gnomAD 0.00079.
gnomAD v4.1: 187 of 747,540 alleles (0.025%); highest among the groups gnomAD compares: African/African-American, 0.26%; 1 homozygote.

Submission:

PreventionGenetics, part of Exact Sciences
Classification: Likely benign for CLN6-related condition. Last evaluated: 2021-09-30. Review status: no assertion criteria provided. Collection method: clinical testing. Allele origin: germline.
Comment: This variant is classified as likely benign based on ACMG/AMP sequence variant interpretation guidelines (Richards et al. 2015 PMID: 25741868, with internal and published modifications).

NM_017882.3(CLN6):c.*151G>A

Gene: CLN6 (CLN6 transmembrane ER protein; minus strand). Cytogenetic location: 15q23.
Variant type: single nucleotide variant.
Coding change: c.*151G>A on transcript NM_017882.3 (MANE Select); 151 bases downstream of the stop codon, G replaced by A.
Molecular consequence: 3 prime UTR variant.
Genome position (GRCh38, 1-based): chr15:68,207,989, C>T on the plus strand (G>A on the coding strand, the complement: CLN6 is on the minus strand). VCF-style: chr15-68207989-C-T. GRCh37 (hg19) VCF-style: chr15-68500327-C-T.
Other names: c.*151G>A (NM_001411068.1).
Identifiers: ClinVar variation 3030847 (VCV003030847.2), dbSNP rs866227581, ClinGen allele CA272382533.